The following is an entry in ClinVar:

NM_001291303.3(FAT4):c.3926A>G (p.Asn1309Ser)

Gene: FAT4 (FAT atypical cadherin 4; plus strand). Cytogenetic location: 4q28.1.
Variant type: single nucleotide variant.
Coding change: c.3926A>G on transcript NM_001291303.3 (MANE Select); coding-DNA position 3926, A replaced by G.
Protein change: p.Asn1309Ser; replaces asparagine 1309 with serine.
Molecular consequence: missense variant.
Genome position (GRCh38, 1-based): chr4:125,320,337, A>G. VCF-style: chr4-125320337-A-G. GRCh37 (hg19) VCF-style: chr4-126241492-A-G.
Other names: c.3926A>G, p.Asn1309Ser (NM_001291285.3, NM_024582.6); short protein forms N1309S.
Identifiers: ClinVar variation 1432470 (VCV001432470.7), dbSNP rs184971791, ClinGen allele CA3072386.

ClinVar aggregate classification (germline): Uncertain significance. Review status: criteria provided, multiple submitters, no conflicts (2 of 4 stars). 3 submissions from 3 submitters: Uncertain significance (3). Last evaluated 2025-09-23.

Conditions:
Van Maldergem syndrome 2 (VMLDS2). Identifiers: Orphanet 314679, MedGen C3809875, MONDO:0014242, OMIM 615546.
Hennekam lymphangiectasia-lymphedema syndrome 2 (HKLLS2). Identifiers: Orphanet 2136, MedGen C4014939, MONDO:0014454, OMIM 616006.

Allele frequency attached by ClinVar (database versions not stated): 1000 Genomes Project 0.00020; 1000 Genomes Project 30x 0.00016.
gnomAD v4.1: 11 of 1,613,864 alleles (0.00068%); highest among the groups gnomAD compares: Admixed American, 0.012%; no homozygotes.

Submissions (3):

Dasa
Classification: Uncertain significance. Last evaluated: 2025-09-23. Review status: criteria provided, single submitter. Criteria: DASA Assertion Criteria. Collection method: clinical testing. Allele origin: germline.
Comment: NM_001291303.3(FAT4):c.3926A>G (p.Asn1309Ser) is a missense variant that results in the substitution of asparagine with serine. This variant is rare in population databases. Computational prediction algorithms are consistent with a deleterious effect. The currently available literature and clinical evidence are not sufficient to establish a definitive association between this variant and the reported condition. Therefore, this variant is classified as a variant of uncertain significance.

Clinical Genomics Laboratory, Washington University in St. Louis
Classification: Uncertain significance for Hennekam lymphangiectasia-lymphedema syndrome 2; Van Maldergem syndrome 2. Last evaluated: 2025-02-06. Review status: criteria provided, single submitter. Criteria: ACMG Guidelines, 2015. Collection method: clinical testing. Allele origin: germline.
Comment: A FAT4 c.3926A>G (p.Asn1309Ser) variant was identified at a near heterozygous allelic fraction of 49.5%, a frequency that may be consistent with germline origin. This variant, to our knowledge, has not been reported in the medical literature. It is only observed on 11/1,613,864 alleles in the general population (gnomAD v.4.1.0), indicating it is not a common variant. This variant has been reported in the ClinVar database as a germline variant of uncertain significance by one submitter (ClinVar variation ID: 1432470). Computational predictors indicate that the variant is damaging, evidence that correlates with impact on FAT4 function. Due to limited information, and based on ACMG/AMP guidelines for variant interpretation (Richards S et al., PMID: 25741868), the clinical significance of this variant is uncertain at this time.

Labcorp Genetics (formerly Invitae), Labcorp
Classification: Uncertain significance. Last evaluated: 2022-05-04. Review status: criteria provided, single submitter. Criteria: Invitae Variant Classification Sherloc (09022015). Collection method: clinical testing. Allele origin: germline.
Comment: In summary, the available evidence is currently insufficient to determine the role of this variant in disease. Therefore, it has been classified as a Variant of Uncertain Significance. This sequence change replaces asparagine, which is neutral and polar, with serine, which is neutral and polar, at codon 1309 of the FAT4 protein (p.Asn1309Ser). This variant is present in population databases (rs184971791, gnomAD 0.01%). This variant has not been reported in the literature in individuals affected with FAT4-related conditions. Algorithms developed to predict the effect of missense changes on protein structure and function (SIFT, PolyPhen-2, Align-GVGD) all suggest that this variant is likely to be disruptive.